The following is an entry in ClinVar:

NM_005591.4(MRE11):c.1563+281G>A

Gene: MRE11 (MRE11 double strand break repair nuclease; minus strand). Cytogenetic location: 11q21.
Variant type: single nucleotide variant.
Coding change: c.1563+281G>A on transcript NM_005591.4 (MANE Select); 281 bases into the intron after coding-DNA position 1563, G replaced by A.
Molecular consequence: intron variant.
Genome position (GRCh38, 1-based): chr11:94,455,995, C>T on the plus strand (G>A on the coding strand, the complement: MRE11 is on the minus strand). VCF-style: chr11-94455995-C-T. GRCh37 (hg19) VCF-style: chr11-94189161-C-T.
Other names: c.1563+281G>A (NM_001330347.2, NM_005590.4).
Identifiers: ClinVar variation 60672 (VCV000060672.1), dbSNP rs397509429, ClinGen allele CA144615.

ClinVar aggregate classification (germline): other (0 of 4 stars; one submission).

Conditions:
Malignant tumor of urinary bladder. Also called: Urinary bladder cancer; Urinary Bladder Neoplasms; Bladder cancer. Identifiers: MedGen C0005684, MONDO:0001187, OMIM 109800.

Allele frequency attached by ClinVar (database versions not stated): gnomAD 0.00006; TOPMed 0.00023.
gnomAD v4.1: 25 of 152,142 alleles (0.016%); highest among the groups gnomAD compares: Non-Finnish European, 0.034%; no homozygotes.

Submission:

Gray Institute for Radiation Oncology & Biology, University of Oxford
Classification: other. Review status: no assertion criteria provided. Collection method: not provided. Allele origin: germline.
Comment: Detected by next-generation sequencing & confirmed by Sanger sequencing